The following is an entry in ClinVar:

ClinVar aggregate classification (germline): Uncertain significance (1 of 4 stars; one submission).

Allele frequency attached by ClinVar (database versions not stated): TOPMed below 0.00001; gnomAD 0.00001.
gnomAD v4.1: 3 of 1,614,058 alleles (0.00019%); highest among the groups gnomAD compares: South Asian, 0.0033%; no homozygotes.

Submission:

Labcorp Genetics (formerly Invitae), Labcorp
Classification: Uncertain significance. Last evaluated: 2023-12-28. Review status: criteria provided, single submitter. Criteria: Invitae Variant Classification Sherloc (09022015). Collection method: clinical testing. Allele origin: germline.
Comment: This sequence change replaces arginine, which is basic and polar, with glycine, which is neutral and non-polar, at codon 1090 of the ASXL1 protein (p.Arg1090Gly). This variant is not present in population databases (gnomAD no frequency). This variant has not been reported in the literature in individuals affected with ASXL1-related conditions. Algorithms developed to predict the effect of missense changes on protein structure and function output the following: SIFT: "Not Available"; PolyPhen-2: "Benign"; Align-GVGD: "Not Available". The glycine amino acid residue is found in multiple mammalian species, which suggests that this missense change does not adversely affect protein function. In summary, the available evidence is currently insufficient to determine the role of this variant in disease. Therefore, it has been classified as a Variant of Uncertain Significance.

NM_015338.6(ASXL1):c.3268A>G (p.Arg1090Gly)

Gene: ASXL1 (ASXL transcriptional regulator 1; plus strand). Cytogenetic location: 20q11.21.
Variant type: single nucleotide variant.
Coding change: c.3268A>G on transcript NM_015338.6 (MANE Select); coding-DNA position 3268, A replaced by G.
Protein change: p.Arg1090Gly; replaces arginine 1090 with glycine.
Molecular consequence: missense variant.
Genome position (GRCh38, 1-based): chr20:32,435,980, A>G. VCF-style: chr20-32435980-A-G. GRCh37 (hg19) VCF-style: chr20-31023783-A-G.
Other names: c.3085A>G, p.Arg1029Gly (NM_001363734.1); short protein forms R1029G, R1090G.
Identifiers: ClinVar variation 2973389 (VCV002973389.3), dbSNP rs2011830292, ClinGen allele CA408562704.